The following is an entry in ClinVar:

ClinVar aggregate classification (germline): Uncertain significance. Review status: criteria provided, multiple submitters, no conflicts (2 of 4 stars). 7 submissions from 7 submitters: Uncertain significance (6). 1 of the submissions does not count toward it. Last evaluated 2025-12-24.

Conditions:
PKP2-related disorder. Also called: PKP2-related condition.
Cardiovascular phenotype. Identifiers: MedGen CN230736.
Cardiomyopathy (CMYO). Also called: Cardiomyopathies. Identifiers: Orphanet 167848, MedGen C0878544, MONDO:0004994, HP:0001638. Inheritance: Various modes of inheritance.
Arrhythmogenic right ventricular dysplasia 9 (ARVD9). Also called: ARRHYTHMOGENIC RIGHT VENTRICULAR DYSPLASIA, FAMILIAL, 9; Arrhythmogenic Right Ventricular Dysplasia/Cardiomyopathy 9. Identifiers: MedGen C1836906, MONDO:0012180, OMIM 609040.

Allele frequency attached by ClinVar (database versions not stated): TOPMed 0.00001.
gnomAD v4.1: 3 of 1,612,318 alleles (0.00019%); highest among the groups gnomAD compares: African/African-American, 0.0027%; no homozygotes.

Submissions (7):

Labcorp Genetics (formerly Invitae), Labcorp
Classification: Uncertain significance for Arrhythmogenic right ventricular dysplasia 9. Last evaluated: 2025-12-24. Review status: criteria provided, single submitter. Criteria: Invitae Variant Classification Sherloc (09022015). Collection method: clinical testing. Allele origin: germline.
Comment: This sequence change falls in intron 4 of the PKP2 gene. It does not directly change the encoded amino acid sequence of the PKP2 protein. It affects a nucleotide within the consensus splice site. This variant is not present in population databases (gnomAD no frequency). This variant has not been reported in the literature in individuals affected with PKP2-related conditions. ClinVar contains an entry for this variant (Variation ID: 201981). Variants that disrupt the consensus splice site are a relatively common cause of aberrant splicing (PMID: 17576681, 9536098). Algorithms developed to predict the effect of sequence changes on RNA splicing suggest that this variant may disrupt the consensus splice site. In summary, the available evidence is currently insufficient to determine the role of this variant in disease. Therefore, it has been classified as a Variant of Uncertain Significance.

Ambry Genetics
Classification: Uncertain significance for Cardiovascular phenotype. Last evaluated: 2025-04-25. Review status: criteria provided, single submitter. Criteria: Ambry Variant Classification Scheme 2023. Collection method: clinical testing. Allele origin: germline.
Comment: The c.1170+5G>A intronic variant results from a G to A substitution 5 nucleotides after coding exon 4 in the PKP2 gene. This nucleotide position is highly conserved in available vertebrate species. In silico splice site analysis predicts that this alteration may weaken the native splice donor site. Since supporting evidence is limited at this time, the clinical significance of this alteration remains unclear.

GeneDx
Classification: Uncertain significance. Last evaluated: 2024-12-27. Review status: criteria provided, single submitter. Criteria: GeneDx Variant Classification Process June 2021. Collection method: clinical testing. Allele origin: germline. Affected: yes.
Comment: Not observed at significant frequency in large population cohorts (gnomAD); Has not been previously published as pathogenic or benign to our knowledge; In silico analysis is inconclusive as to whether the variant alters gene splicing. In the absence of RNA/functional studies, the actual effect of this sequence change is unknown.

Color Diagnostics, LLC DBA Color Health
Classification: Uncertain significance for Cardiomyopathy. Last evaluated: 2024-07-16. Review status: criteria provided, single submitter. Criteria: ACMG Guidelines, 2015. Collection method: clinical testing. Allele origin: germline.
Comment: This variant is located in the intron 4 splice donor region of the PKP2 gene. Computational splicing tools predict that this variant may have a significant impact on RNA splicing. To our knowledge, functional studies have not been reported for this variant nor has this variant been reported in individuals affected with cardiovascular disorders in the literature. This variant has not been identified in the general population by the Genome Aggregation Database (gnomAD). The available evidence is insufficient to determine the role of this variant in disease conclusively. Therefore, this variant is classified as a Variant of Uncertain Significance.

CHEO Genetics Diagnostic Laboratory, Children's Hospital of Eastern Ontario
Classification: Uncertain significance for Cardiomyopathy. Last evaluated: 2018-07-31. Review status: criteria provided, single submitter. Criteria: ACMG Guidelines, 2015. Collection method: clinical testing. Allele origin: germline.

Juno Genomics, Hangzhou Juno Genomics, Inc
Classification: Uncertain significance for Arrhythmogenic right ventricular dysplasia 9. Review status: criteria provided, single submitter. Criteria: ACMG Guidelines, 2015. Collection method: clinical testing. Allele origin: germline. Affected: yes.
Comment: Absent from controls (or at extremely low frequency if recessive) in Genome Aggregation Database, Exome Sequencing Project, 1000 Genomes Project, or Exome Aggregation Consortium.;Multiple lines of computational evidence support a deleterious effect on the gene or gene product (conservation, evolutionary, splicing impact, etc).;Patient's phenotype or family history is highly specific for a disease with a single genetic etiology.

PreventionGenetics, part of Exact Sciences
Classification: Uncertain significance for PKP2-related condition. Last evaluated: 2024-01-19. Review status: no assertion criteria provided. Collection method: clinical testing. Allele origin: germline. Not counted in ClinVar's aggregate classification.
Comment: The PKP2 c.1170+5G>A variant is predicted to interfere with splicing. To our knowledge, this variant has not been reported in the literature or in a large population database, indicating this variant is rare. At this time, the clinical significance of this variant is uncertain due to the absence of conclusive functional and genetic evidence.

Literature cited by the submitters: PubMed 17576681 (cited by Labcorp Genetics (formerly Invitae), Labcorp); PubMed 9536098 (cited by Labcorp Genetics (formerly Invitae), Labcorp).

NM_001005242.3(PKP2):c.1170+5G>A

Gene: PKP2 (plakophilin 2; minus strand). Cytogenetic location: 12p11.21.
Variant type: single nucleotide variant.
Coding change: c.1170+5G>A on transcript NM_001005242.3 (MANE Select); 5 bases into the intron after coding-DNA position 1170, G replaced by A.
Molecular consequence: intron variant.
Genome position (GRCh38, 1-based): chr12:32,868,922, C>T on the plus strand (G>A on the coding strand, the complement: PKP2 is on the minus strand). VCF-style: chr12-32868922-C-T. GRCh37 (hg19) VCF-style: chr12-33021856-C-T.
Other names: c.1170+5G>A (NM_004572.4).
Identifiers: ClinVar variation 201981 (VCV000201981.23), dbSNP rs794729105, ClinGen allele CA010856.